The following is an entry in ClinVar:

NM_024685.4(BBS10):c.708A>G (p.Ile236Met)

Gene: BBS10 (Bardet-Biedl syndrome 10; minus strand). Cytogenetic location: 12q21.2.
Variant type: single nucleotide variant.
Coding change: c.708A>G on transcript NM_024685.4 (MANE Select); coding-DNA position 708, A replaced by G.
Protein change: p.Ile236Met; replaces isoleucine 236 with methionine.
Molecular consequence: missense variant.
Genome position (GRCh38, 1-based): chr12:76,347,277, T>C on the plus strand (A>G on the coding strand, the complement: BBS10 is on the minus strand). VCF-style: chr12-76347277-T-C. GRCh37 (hg19) VCF-style: chr12-76741057-T-C.
Other names: short protein forms I236M.
Identifiers: ClinVar variation 1366556 (VCV001366556.5), dbSNP rs1193290653, ClinGen allele CA385814589.

ClinVar aggregate classification (germline): Uncertain significance (1 of 4 stars; one submission).

Conditions:
Bardet-Biedl syndrome (BBS). Identifiers: Orphanet 110, MedGen C0752166, MONDO:0015229.

Allele frequency attached by ClinVar (database versions not stated): gnomAD exomes below 0.00001 and 0.00003.
gnomAD v4.1: 47 of 1,613,746 alleles (0.0029%); highest among the groups gnomAD compares: Non-Finnish European, 0.0039%; no homozygotes.

Submission:

Labcorp Genetics (formerly Invitae), Labcorp
Classification: Uncertain significance for Bardet-Biedl syndrome. Last evaluated: 2021-09-01. Review status: criteria provided, single submitter. Criteria: Invitae Variant Classification Sherloc (09022015). Collection method: clinical testing. Allele origin: germline.
Comment: This sequence change replaces isoleucine with methionine at codon 236 of the BBS10 protein (p.Ile236Met). The isoleucine residue is moderately conserved and there is a small physicochemical difference between isoleucine and methionine. This variant is not present in population databases (ExAC no frequency). This variant has not been reported in the literature in individuals affected with BBS10-related conditions. Algorithms developed to predict the effect of missense changes on protein structure and function output the following: SIFT: "Deleterious"; PolyPhen-2: "Benign"; Align-GVGD: "Class C0". The methionine amino acid residue is found in multiple mammalian species, which suggests that this missense change does not adversely affect protein function. In summary, the available evidence is currently insufficient to determine the role of this variant in disease. Therefore, it has been classified as a Variant of Uncertain Significance.